The following is an entry in ClinVar:

ClinVar aggregate classification (somatic clinical impact): Tier I - Strong (1 of 4 stars; one submission).

Conditions:
Medulloblastoma non-WNT/non-SHH group 3. Identifiers: MedGen C4330665, MONDO:0956966.

Submission:

Institute for Genomic Medicine (IGM) Clinical Laboratory, Nationwide Children's Hospital
Classification: Tier I - Strong for Medulloblastoma non-WNT/non-SHH group 3. Assertion type: diagnostic. Clinical significance: supports diagnosis. Last evaluated: 2023-03-16. Review status: criteria provided, single submitter. Criteria: AMP/ASCO/CAP Guidelines, 2017. Collection method: clinical testing. Allele origin: somatic. Affected: yes.
Comment: Variant has Tier I (strong) clinical significance as a diagnostic inclusion criterion in medulloblastoma non-WNT/non-SHH group 3, based on the following evidence: 1) Appears in one or more well-established professional guidelines (e.g., World Health Organization [WHO]; National Comprehensive Cancer Network [NCCN]) as providing diagnostic, prognostic, or therapeutic information. 2) Diagnostic for a specific tumor type/classification based on well-powered studies with expert-level consensus (Evidence Level B; PMIDs: 28726821, 22832583, 22820256).

Literature cited by the submitters: PubMed 28726821; PubMed 22832583; PubMed 22820256.

NM_001143775.2(CTDNEP1):c.607A>T (p.Lys203Ter)

Gene: CTDNEP1 (CTD nuclear envelope phosphatase 1; minus strand). Cytogenetic location: 17p13.1.
Variant type: single nucleotide variant.
Coding change: c.607A>T on transcript NM_001143775.2 (MANE Select); coding-DNA position 607, A replaced by T.
Protein change: p.Lys203Ter; replaces lysine 203 with a stop codon.
Molecular consequence: nonsense.
Genome position (GRCh38, 1-based): chr17:7,244,618, T>A on the plus strand (A>T on the coding strand, the complement: CTDNEP1 is on the minus strand). VCF-style: chr17-7244618-T-A. GRCh37 (hg19) VCF-style: chr17-7147937-T-A.
Other names: c.607A>T, p.Lys203Ter (NM_015343.5); short protein forms K203*.
Identifiers: ClinVar variation 4530124 (VCV004530124.1).